The following is an entry in ClinVar:

ClinVar aggregate classification (germline): Conflicting classifications of pathogenicity. Review status: criteria provided, conflicting classifications (1 of 4 stars). 5 submissions from 5 submitters: Uncertain significance (4); Benign (1). Last evaluated 2025-04-09.

Conditions:
Cardiovascular phenotype. Identifiers: MedGen CN230736.
Hypercholesterolemia, autosomal dominant, type B (FHCL2). Also called: Hyperlipoproteinemia Type IIb; Familial Hypercholesterolemia Type B; APOLIPOPROTEIN B-100, FAMILIAL DEFECTIVE; APOLIPOPROTEIN B-100, FAMILIAL LIGAND-DEFECTIVE; Familial hypercholesterolemia 2; APOB-Related Familial Hypercholesterolemia, Autosomal Dominant. Identifiers: MedGen C1704417, MONDO:0007751, OMIM 144010.
Familial hypobetalipoproteinemia 1. Also called: Hypobetalipoproteinemia, normotriglyceridemic; Acanthocytosis with hypobetalipoproteinemia; APOB-Related Familial Hypobetalipoproteinemia. Identifiers: MedGen C4551990, MONDO:0014252, OMIM 615558.

Allele frequency attached by ClinVar (database versions not stated): ExAC 0.00004; gnomAD exomes 0.00004; gnomAD 0.00012 and 0.00013; TOPMed 0.00014; 1000 Genomes Project 30x 0.00016; 1000 Genomes Project 0.00020.
gnomAD v4.1: 34 of 1,614,174 alleles (0.0021%); highest among the groups gnomAD compares: African/African-American, 0.027%; no homozygotes.

Submissions (5):

Molecular Diagnostic Laboratory for Inherited Cardiovascular Disease, Montreal Heart Institute
Classification: Uncertain significance for Cardiovascular phenotype. Last evaluated: 2025-04-09. Review status: criteria provided, single submitter. Criteria: ACMG Guidelines, 2015. Collection method: clinical testing. Allele origin: germline. Affected: yes.

Labcorp Genetics (formerly Invitae), Labcorp
Classification: Benign for Familial hypobetalipoproteinemia 1; Hypercholesterolemia, autosomal dominant, type B. Last evaluated: 2024-12-12. Review status: criteria provided, single submitter. Criteria: Invitae Variant Classification Sherloc (09022015). Collection method: clinical testing. Allele origin: germline.

Quest Diagnostics Nichols Institute San Juan Capistrano
Classification: Uncertain significance. Last evaluated: 2023-10-31. Review status: criteria provided, single submitter. Criteria: Quest Diagnostics criteria. Collection method: clinical testing. Allele origin: unknown.
Comment: The APOB c.1010T>A (p.Ile337Asn) variant has not been reported in individuals with APOB-related conditions in the published literature. The frequency of this variant in the general population, 0.0002 (5/24960 chromosomes (Genome Aggregation Database)), is uninformative in the assessment of its pathogenicity. Analysis of this variant using bioinformatics tools for the prediction of the effect of amino acid changes on protein structure and function yielded predictions that this variant is benign. Based on the available information, we are unable to determine the clinical significance of this variant.

Ambry Genetics
Classification: Uncertain significance for Cardiovascular phenotype. Last evaluated: 2023-07-06. Review status: criteria provided, single submitter. Criteria: Ambry Variant Classification Scheme 2023. Collection method: clinical testing. Allele origin: germline.
Comment: The p.I337N variant (also known as c.1010T>A), located in coding exon 9 of the APOB gene, results from a T to A substitution at nucleotide position 1010. The isoleucine at codon 337 is replaced by asparagine, an amino acid with dissimilar properties. This amino acid position is poorly conserved in available vertebrate species. In addition, this alteration is predicted to be tolerated by in silico analysis. Since supporting evidence is limited at this time, the clinical significance of this alteration remains unclear.

Fulgent Genetics
Classification: Uncertain significance for Hypercholesterolemia, autosomal dominant, type B; Familial hypobetalipoproteinemia 1. Last evaluated: 2021-10-18. Review status: criteria provided, single submitter. Criteria: ACMG Guidelines, 2015. Collection method: clinical testing. Allele origin: unknown.

NM_000384.3(APOB):c.1010T>A (p.Ile337Asn)

Gene: APOB (apolipoprotein B; minus strand). Cytogenetic location: 2p24.1.
Variant type: single nucleotide variant.
Coding change: c.1010T>A on transcript NM_000384.3 (MANE Select); coding-DNA position 1010, T replaced by A.
Protein change: p.Ile337Asn; replaces isoleucine 337 with asparagine.
Molecular consequence: missense variant.
Genome position (GRCh38, 1-based): chr2:21,033,413, A>T on the plus strand (T>A on the coding strand, the complement: APOB is on the minus strand). VCF-style: chr2-21033413-A-T. GRCh37 (hg19) VCF-style: chr2-21256285-A-T.
Other names: short protein forms I337N.
Identifiers: ClinVar variation 582699 (VCV000582699.21), dbSNP rs148126873, ClinGen allele CA042435.